The following is an entry in ClinVar:

NM_001128178.3(NPHP1):c.352G>A (p.Glu118Lys)

Gene: NPHP1 (nephrocystin 1; minus strand). Cytogenetic location: 2q13.
Variant type: single nucleotide variant.
Coding change: c.352G>A on transcript NM_001128178.3 (MANE Select); coding-DNA position 352, G replaced by A.
Protein change: p.Glu118Lys; replaces glutamic acid 118 with lysine.
Molecular consequence: missense variant.
Genome position (GRCh38, 1-based): chr2:110,169,976, C>T on the plus strand (G>A on the coding strand, the complement: NPHP1 is on the minus strand). VCF-style: chr2-110169976-C-T. GRCh37 (hg19) VCF-style: chr2-110927553-C-T.
Other names: c.352G>A, p.Glu118Lys (NM_000272.5, NM_001374256.1, NM_001374257.1 and 1 more transcripts); c.166G>A, p.Glu56Lys (NM_001128179.3); short protein forms E118K, E56K.
Identifiers: ClinVar variation 894667 (VCV000894667.9), dbSNP rs1408606648, ClinGen allele CA348093176.

ClinVar aggregate classification (germline): Uncertain significance. Review status: criteria provided, multiple submitters, no conflicts (2 of 4 stars). 5 submissions from 3 submitters: Uncertain significance (5). Last evaluated 2022-11-30.

Conditions:
Nephronophthisis. Also called: Juvenile Nephronophthisis. Identifiers: Orphanet 655, MedGen C0687120, MONDO:0019005, HP:0000090.
Senior-Loken syndrome 1 (SLSN1). Also called: JUVENILE NEPHRONOPHTHISIS WITH LEBER AMAUROSIS. Identifiers: Orphanet 3156, MedGen C4551559, MONDO:0009962, OMIM 266900.
Joubert syndrome with renal defect. Also called: JOUBERT SYNDROME 4. Identifiers: Orphanet 220497, MedGen C1846790, MONDO:0012308, OMIM 609583.
Nephronophthisis 1 (NPHP1). Also called: Nephronophthisis familial juvenile. Identifiers: Orphanet 655, Orphanet 93592, MedGen C1855681, MONDO:0009728, OMIM 256100.
Inborn genetic diseases. Identifiers: MedGen C0950123, MeSH D030342.

Allele frequency attached by ClinVar (database versions not stated): gnomAD exomes below 0.00001; TOPMed below 0.00001.
gnomAD v4.1: 1 of 1,612,264 alleles (0.000062%); highest among the groups gnomAD compares: South Asian, 0.0011%; no homozygotes.

Submissions (5):

Ambry Genetics
Classification: Uncertain significance for Inborn genetic diseases. Last evaluated: 2022-11-30. Review status: criteria provided, single submitter. Criteria: Ambry Variant Classification Scheme 2023. Collection method: clinical testing. Allele origin: germline.

Labcorp Genetics (formerly Invitae), Labcorp
Classification: Uncertain significance for Nephronophthisis. Last evaluated: 2022-04-09. Review status: criteria provided, single submitter. Criteria: Invitae Variant Classification Sherloc (09022015). Collection method: clinical testing. Allele origin: germline.
Comment: In summary, the available evidence is currently insufficient to determine the role of this variant in disease. Therefore, it has been classified as a Variant of Uncertain Significance. Algorithms developed to predict the effect of missense changes on protein structure and function are either unavailable or do not agree on the potential impact of this missense change (SIFT: "Deleterious"; PolyPhen-2: "Possibly Damaging"; Align-GVGD: "Class C0"). ClinVar contains an entry for this variant (Variation ID: 894667). This variant has not been reported in the literature in individuals affected with NPHP1-related conditions. This variant is not present in population databases (gnomAD no frequency). This sequence change replaces glutamic acid, which is acidic and polar, with lysine, which is basic and polar, at codon 118 of the NPHP1 protein (p.Glu118Lys).

Illumina Laboratory Services, Illumina
Classification: Uncertain significance for Joubert syndrome with renal defect. Last evaluated: 2018-01-13. Review status: criteria provided, single submitter. Criteria: ICSL Variant Classification Criteria 13 December 2019. Collection method: clinical testing. Allele origin: germline.

Illumina Laboratory Services, Illumina
Classification: Uncertain significance for Nephronophthisis 1. Last evaluated: 2018-01-13. Review status: criteria provided, single submitter. Criteria: ICSL Variant Classification Criteria 13 December 2019. Collection method: clinical testing. Allele origin: germline.

Illumina Laboratory Services, Illumina
Classification: Uncertain significance for Senior-Loken syndrome 1. Last evaluated: 2018-01-13. Review status: criteria provided, single submitter. Criteria: ICSL Variant Classification Criteria 13 December 2019. Collection method: clinical testing. Allele origin: germline.